The following is an entry in ClinVar:

NM_005055.5(RAPSN):c.889G>A (p.Val297Met)

Gene: RAPSN (receptor associated protein of the synapse; minus strand). Cytogenetic location: 11p11.2.
Variant type: single nucleotide variant.
Coding change: c.889G>A on transcript NM_005055.5 (MANE Select); coding-DNA position 889, G replaced by A.
Protein change: p.Val297Met; replaces valine 297 with methionine.
Molecular consequence: missense variant. On other transcripts: intron variant (1).
Genome position (GRCh38, 1-based): chr11:47,441,634, C>T on the plus strand (G>A on the coding strand, the complement: RAPSN is on the minus strand). VCF-style: chr11-47441634-C-T. GRCh37 (hg19) VCF-style: chr11-47463186-C-T.
Other names: c.789+189G>A (NM_032645.5); short protein forms V297M.
Identifiers: ClinVar variation 542737 (VCV000542737.8), dbSNP rs369570812, ClinGen allele CA5976596.
Genomic context (GRCh38, chr11:47,441,634, plus strand): 5'-GGGAGGGCTGGAGGCTGTGGGAAAGGCCCGACCTCACCTTGTCCAGCGCCTTCCTGGCCA[C>T]CCAGCACTTGGCCACACCCAGCAGCGCCTGCACCTGCCCCAGGCGGTTTCCGATCTCGGT-3'
Protein context (NP_005046.2, residues 287-307): QALLGVAKCW[Val297Met]ARKALDKALD

ClinVar aggregate classification (germline): Uncertain significance. Review status: criteria provided, multiple submitters, no conflicts (2 of 4 stars). 4 submissions from 4 submitters: Uncertain significance (3). 1 of the submissions does not count toward it. Last evaluated 2026-08-04.

Conditions:
Inborn genetic diseases. Identifiers: MedGen C0950123, MeSH D030342.
Fetal akinesia deformation sequence 2. Identifiers: MedGen C4760576, MONDO:0100102, OMIM 618388.
Congenital myasthenic syndrome 11. Also called: MYASTHENIC SYNDROME, CONGENITAL, Ie; Myasthenic syndrome, congenital, 11, associated with acetylcholine receptor deficiency. Identifiers: Orphanet 590, MedGen C4225367, MONDO:0014588, OMIM 616326.
Congenital myasthenic syndrome (CMS). Also called: Congenital Myasthenic Syndromes. Identifiers: Orphanet 590, MedGen C0751882, MeSH D020294, MONDO:0018940.
Fetal akinesia deformation sequence 1 (FADS1). Also called: Fetal akinesia sequence; Pena-Shokeir syndrome type I. Identifiers: Orphanet 994, MedGen C1276035, MONDO:0100101, OMIM 208150, HP:0001989.

Allele frequency attached by ClinVar (database versions not stated): ExAC 0.00001; gnomAD exomes 0.00002 and 0.00007; TOPMed 0.00002; gnomAD 0.00003 and 0.00004; ESP Exome Variant Server 0.00008.
gnomAD v4.1: 107 of 1,608,316 alleles (0.0067%); highest among the groups gnomAD compares: Non-Finnish European, 0.0083%; no homozygotes.

Submissions (4):

Ambry Genetics
Classification: Uncertain significance for Inborn genetic diseases. Last evaluated: 2026-08-04. Review status: criteria provided, single submitter. Criteria: Ambry Variant Classification Scheme 2023. Collection method: clinical testing. Allele origin: germline.

Labcorp Genetics (formerly Invitae), Labcorp
Classification: Uncertain significance for Congenital myasthenic syndrome 11; Fetal akinesia deformation sequence 1. Last evaluated: 2022-02-24. Review status: criteria provided, single submitter. Criteria: Invitae Variant Classification Sherloc (09022015). Collection method: clinical testing. Allele origin: germline.
Comment: This sequence change replaces valine, which is neutral and non-polar, with methionine, which is neutral and non-polar, at codon 297 of the RAPSN protein (p.Val297Met). The frequency data for this variant in the population databases is considered unreliable, as metrics indicate poor data quality at this position in the gnomAD database. This variant has not been reported in the literature in individuals affected with RAPSN-related conditions. ClinVar contains an entry for this variant (Variation ID: 542737). Algorithms developed to predict the effect of missense changes on protein structure and function output the following: SIFT: "Tolerated"; PolyPhen-2: "Benign"; Align-GVGD: "Class C0". The methionine amino acid residue is found in multiple mammalian species, which suggests that this missense change does not adversely affect protein function. In summary, the available evidence is currently insufficient to determine the role of this variant in disease. Therefore, it has been classified as a Variant of Uncertain Significance.

Fulgent Genetics
Classification: Uncertain significance for Congenital myasthenic syndrome 11; Fetal akinesia deformation sequence 2. Last evaluated: 2021-12-06. Review status: criteria provided, single submitter. Criteria: ACMG Guidelines, 2015. Collection method: clinical testing. Allele origin: unknown.

Natera, Inc.
Classification: Uncertain significance for Congenital myasthenic syndrome. Last evaluated: 2020-04-13. Review status: no assertion criteria provided. Collection method: clinical testing. Allele origin: germline. Not counted in ClinVar's aggregate classification.